The following is an entry in ClinVar:

NM_030777.4(SLC2A10):c.661C>T (p.Leu221Phe)

Gene: SLC2A10 (solute carrier family 2 member 10; plus strand). Cytogenetic location: 20q13.12.
Variant type: single nucleotide variant.
Coding change: c.661C>T on transcript NM_030777.4 (MANE Select); coding-DNA position 661, C replaced by T.
Protein change: p.Leu221Phe; replaces leucine 221 with phenylalanine.
Molecular consequence: missense variant.
Genome position (GRCh38, 1-based): chr20:46,725,697, C>T. VCF-style: chr20-46725697-C-T. GRCh37 (hg19) VCF-style: chr20-45354336-C-T.
Other names: short protein forms L221F.
Identifiers: ClinVar variation 4864598 (VCV004864598.1).

ClinVar aggregate classification (germline): Uncertain significance (1 of 4 stars; one submission).

Conditions:
Familial thoracic aortic aneurysm and aortic dissection (TAAD). Also called: Thoracic aortic aneurysms and dissections. Identifiers: Orphanet 91387, MedGen C4707243, MONDO:0019625.

Submission:

Ambry Genetics
Classification: Uncertain significance for Familial thoracic aortic aneurysm and aortic dissection. Last evaluated: 2026-03-29. Review status: criteria provided, single submitter. Criteria: Ambry Variant Classification Scheme 2023. Collection method: clinical testing. Allele origin: germline.
Comment: The p.L221F variant (also known as c.661C>T), located in coding exon 2 of the SLC2A10 gene, results from a C to T substitution at nucleotide position 661. The leucine at codon 221 is replaced by phenylalanine, an amino acid with highly similar properties. This amino acid position is conserved. In addition, the in silico prediction for this alteration is inconclusive. Based on the available evidence, the clinical significance of this variant remains unclear.